The following is an entry in ClinVar:

NM_012452.3(TNFRSF13B):c.443C>T (p.Pro148Leu)

Gene: TNFRSF13B (TNF receptor superfamily member 13B; minus strand). Cytogenetic location: 17p11.2.
Variant type: single nucleotide variant.
Coding change: c.443C>T on transcript NM_012452.3 (MANE Select); coding-DNA position 443, C replaced by T.
Protein change: p.Pro148Leu; replaces proline 148 with leucine.
Molecular consequence: missense variant.
Genome position (GRCh38, 1-based): chr17:16,948,740, G>A on the plus strand (C>T on the coding strand, the complement: TNFRSF13B is on the minus strand). VCF-style: chr17-16948740-G-A. GRCh37 (hg19) VCF-style: chr17-16852054-G-A.
Other names: short protein forms P148L.
Identifiers: ClinVar variation 963346 (VCV000963346.4), dbSNP rs200173159, ClinGen allele CA8414014.

ClinVar aggregate classification (germline): Uncertain significance. Review status: criteria provided, multiple submitters, no conflicts (2 of 4 stars). 2 submissions from 2 submitters: Uncertain significance (2). Last evaluated 2022-05-04.

Conditions:
Immunodeficiency, common variable, 2 (CVID2). Also called: HYPOGAMMAGLOBULINEMIA DUE TO TACI DEFICIENCY; ANTIBODY DEFICIENCY DUE TO TACI DEFECT. Identifiers: Orphanet 1572, MedGen C3150354, MONDO:0009413, OMIM 240500.
Inborn genetic diseases. Identifiers: MedGen C0950123, MeSH D030342.

Allele frequency attached by ClinVar (database versions not stated): gnomAD exomes 0.00008 and 0.00005; ExAC 0.00004; gnomAD 0.00002; TOPMed 0.00007.
gnomAD v4.1: 74 of 1,613,792 alleles (0.0046%); highest among the groups gnomAD compares: Admixed American, 0.027%; no homozygotes.

Submissions (2):

Ambry Genetics
Classification: Uncertain significance for Inborn genetic diseases. Last evaluated: 2022-05-04. Review status: criteria provided, single submitter. Criteria: Ambry Variant Classification Scheme 2023. Collection method: clinical testing. Allele origin: germline.

Labcorp Genetics (formerly Invitae), Labcorp
Classification: Uncertain significance for Immunodeficiency, common variable, 2. Last evaluated: 2022-02-06. Review status: criteria provided, single submitter. Criteria: Invitae Variant Classification Sherloc (09022015). Collection method: clinical testing. Allele origin: germline.
Comment: This sequence change replaces proline, which is neutral and non-polar, with leucine, which is neutral and non-polar, at codon 148 of the TNFRSF13B protein (p.Pro148Leu). This variant is present in population databases (rs200173159, gnomAD 0.04%). This variant has not been reported in the literature in individuals affected with TNFRSF13B-related conditions. ClinVar contains an entry for this variant (Variation ID: 963346). Algorithms developed to predict the effect of missense changes on protein structure and function output the following: SIFT: "Tolerated"; PolyPhen-2: "Benign"; Align-GVGD: "Class C0". The leucine amino acid residue is found in multiple mammalian species, which suggests that this missense change does not adversely affect protein function. In summary, the available evidence is currently insufficient to determine the role of this variant in disease. Therefore, it has been classified as a Variant of Uncertain Significance.